The following is an entry in ClinVar:

NM_000383.4(AIRE):c.589G>A (p.Gly197Arg)

Gene: AIRE (autoimmune regulator; plus strand). Cytogenetic location: 21q22.3.
Variant type: single nucleotide variant.
Coding change: c.589G>A on transcript NM_000383.4 (MANE Select); coding-DNA position 589, G replaced by A.
Protein change: p.Gly197Arg; replaces glycine 197 with arginine.
Molecular consequence: missense variant.
Genome position (GRCh38, 1-based): chr21:44,288,395, G>A. VCF-style: chr21-44288395-G-A. GRCh37 (hg19) VCF-style: chr21-45708278-G-A.
Other names: c.589G>A (LRG_18t1); short protein forms G197R.
Identifiers: ClinVar variation 495854 (VCV000495854.7), dbSNP rs148012328, ClinGen allele CA10051634.
Genomic context (GRCh38, chr21:44,288,395, plus strand): 5'-CCTTTCCCAGGGATTCAGACCATGTCAGCTTCAGTCCAGAGAGCTGTGGCCATGTCCTCC[G>A]GGGACGTCCCGGGAGCCCGAGGGGCCGTGGAGGGGATCCTCATCCAGCAGGTGTTTGAGT-3'
Protein context (NP_000374.1, residues 187-207): SVQRAVAMSS[Gly197Arg]DVPGARGAVE

ClinVar aggregate classification (germline): Conflicting classifications of pathogenicity. Review status: criteria provided, conflicting classifications (1 of 4 stars). 3 submissions from 3 submitters: Uncertain significance (1); Likely benign (1). 1 of the submissions does not count toward it. Last evaluated 2026-01-28.

Conditions:
Polyglandular autoimmune syndrome, type 1 (APS1). Also called: APS I; PGA I; Whitaker syndrome; Autoimmune polyendocrinopathy syndrome, type I; Autoimmune polyendocrine syndrome type 1; Autoimmune polyendocrinopathy syndrome , type I, with or without reversible metaphyseal dysplasia. Identifiers: Orphanet 3453, MedGen C0085859, MONDO:0009411, OMIM 240300.

Allele frequency attached by ClinVar (database versions not stated): ExAC 0.00011; gnomAD exomes 0.00011; ESP Exome Variant Server 0.00015; gnomAD 0.00022 and 0.00024; TOPMed 0.00027; 1000 Genomes Project 30x 0.00078; 1000 Genomes Project 0.00080.

Submissions (3):

Labcorp Genetics (formerly Invitae), Labcorp
Classification: Likely benign for Polyglandular autoimmune syndrome, type 1. Last evaluated: 2026-01-28. Review status: criteria provided, single submitter. Criteria: Invitae Variant Classification Sherloc (09022015). Collection method: clinical testing. Allele origin: germline.

Women's Health and Genetics/Laboratory Corporation of America, LabCorp
Classification: Uncertain significance. Last evaluated: 2017-03-06. Review status: criteria provided, single submitter. Criteria: LabCorp Variant Classification Summary - May 2015. Collection method: clinical testing. Allele origin: germline.
Comment: Variant summary: The AIRE c.589G>A (p.Gly197Arg) variant located in the SAND domain (via InterPro) involves the alteration of a non-conserved nucleotide, which 3/4 in silico tools (SNPs&GO not captured due to low reliability index) predict a damaging outcome, although these predictions have yet to be functionally assessed. The variant of interest was observed in the large, broad control population, ExAC, with an allele frequency of 13/120306 (1/9250), predominantly in the African cohort, 11/10266 (1/933), which does not exceed the estimated maximal expected allele frequency for a pathogenic AIRE variant of 1/357. The variant of interest has not, to our knowledge, been reported in affected individuals via publications and/or reputable databases/clinical diagnostic laboratories. Therefore, until additional information becomes available (ie, clinical and functional studies), the variant of interest has been classified as a "Variant of Uncertain Significance (VUS)."

Natera, Inc.
Classification: Uncertain significance for Polyglandular autoimmune syndrome type 1. Last evaluated: 2020-02-19. Review status: no assertion criteria provided. Collection method: clinical testing. Allele origin: germline. Not counted in ClinVar's aggregate classification.